The following is an entry in ClinVar:

ClinVar aggregate classification (germline): Uncertain significance. Review status: criteria provided, multiple submitters, no conflicts (2 of 4 stars). 2 submissions from 2 submitters: Uncertain significance (2). Last evaluated 2025-05-07.

Conditions:
Inborn genetic diseases. Identifiers: MedGen C0950123, MeSH D030342.

Allele frequency attached by ClinVar (database versions not stated): TOPMed below 0.00001; gnomAD exomes 0.00001; gnomAD 0.00003; ExAC 0.00006.
gnomAD v4.1: 25 of 1,613,822 alleles (0.0015%); highest among the groups gnomAD compares: East Asian, 0.04%; no homozygotes.

Submissions (2):

Labcorp Genetics (formerly Invitae), Labcorp
Classification: Uncertain significance. Last evaluated: 2025-05-07. Review status: criteria provided, single submitter. Criteria: Invitae Variant Classification Sherloc (09022015). Collection method: clinical testing. Allele origin: germline.
Comment: This sequence change replaces valine, which is neutral and non-polar, with isoleucine, which is neutral and non-polar, at codon 751 of the PLCB4 protein (p.Val751Ile). This variant is present in population databases (rs749394841, gnomAD 0.05%). This variant has not been reported in the literature in individuals affected with PLCB4-related conditions. ClinVar contains an entry for this variant (Variation ID: 2464273). Invitae Evidence Modeling of protein sequence and biophysical properties (such as structural, functional, and spatial information, amino acid conservation, physicochemical variation, residue mobility, and thermodynamic stability) indicates that this missense variant is not expected to disrupt PLCB4 protein function with a negative predictive value of 95%. In summary, the available evidence is currently insufficient to determine the role of this variant in disease. Therefore, it has been classified as a Variant of Uncertain Significance.

Ambry Genetics
Classification: Uncertain significance for Inborn genetic diseases. Last evaluated: 2023-02-22. Review status: criteria provided, single submitter. Criteria: Ambry Variant Classification Scheme 2023. Collection method: clinical testing. Allele origin: germline.

NM_001377142.1(PLCB4):c.2287G>A (p.Val763Ile)

Gene: PLCB4 (phospholipase C beta 4; plus strand). Cytogenetic location: 20p12.2.
Variant type: single nucleotide variant.
Coding change: c.2287G>A on transcript NM_001377142.1 (MANE Select); coding-DNA position 2287, G replaced by A.
Protein change: p.Val763Ile; replaces valine 763 with isoleucine.
Molecular consequence: missense variant.
Genome position (GRCh38, 1-based): chr20:9,421,429, G>A. VCF-style: chr20-9421429-G-A. GRCh37 (hg19) VCF-style: chr20-9402076-G-A.
Other names: c.2251G>A, p.Val751Ile (NM_000933.4, NM_001377134.2, NM_001377135.1 and 2 more transcripts); c.2287G>A, p.Val763Ile (NM_001172646.2, NM_001377143.1); short protein forms V751I, V763I.
Identifiers: ClinVar variation 2464273 (VCV002464273.3), dbSNP rs749394841, ClinGen allele CA9761337.